The following is an entry in ClinVar:

ClinVar aggregate classification (germline): Uncertain significance (1 of 4 stars; one submission).

Allele frequency attached by ClinVar (database versions not stated): gnomAD exomes below 0.00001.

Submission:

Ambry Genetics
Classification: Uncertain significance. Last evaluated: 2023-12-14. Review status: criteria provided, single submitter. Criteria: Ambry Variant Classification Scheme 2023. Collection method: clinical testing. Allele origin: germline.
Comment: The p.M197I variant (also known as c.591G>T), located in coding exon 1 of the MLH3 gene, results from a G to T substitution at nucleotide position 591. The methionine at codon 197 is replaced by isoleucine, an amino acid with highly similar properties. This amino acid position is well conserved in available vertebrate species. In addition, the in silico prediction for this alteration is inconclusive. The evidence for this gene-disease relationship is limited; therefore, the clinical significance of this alteration is unclear.

NM_001040108.2(MLH3):c.591G>T (p.Met197Ile)

Gene: MLH3 (mutL homolog 3; minus strand). Cytogenetic location: 14q24.3.
Variant type: single nucleotide variant.
Coding change: c.591G>T on transcript NM_001040108.2 (MANE Select); coding-DNA position 591, G replaced by T.
Protein change: p.Met197Ile; replaces methionine 197 with isoleucine.
Molecular consequence: missense variant.
Genome position (GRCh38, 1-based): chr14:75,049,065, C>A on the plus strand (G>T on the coding strand, the complement: MLH3 is on the minus strand). VCF-style: chr14-75049065-C-A. GRCh37 (hg19) VCF-style: chr14-75515768-C-A.
Other names: c.591G>T, p.Met197Ile (NM_014381.3); short protein forms M197I.
Identifiers: ClinVar variation 3232584 (VCV003232584.1), dbSNP rs2503322975, ClinGen allele CA390449825.